The following is an entry in ClinVar:

NM_001144869.3(LIPT2):c.158C>T (p.Ala53Val)

Genes: LIPT2 (lipoyl(octanoyl) transferase 2; minus strand), LIPT2-AS1 (LIPT2 antisense RNA 1; plus strand), LOC130006411 (ATAC-STARR-seq lymphoblastoid silent region 3753; plus strand). Cytogenetic location: 11q13.4.
Variant type: single nucleotide variant.
Coding change: c.158C>T on transcript NM_001144869.3 (MANE Select); coding-DNA position 158, C replaced by T.
Protein change: p.Ala53Val; replaces alanine 53 with valine.
Molecular consequence: missense variant.
Genome position (GRCh38, 1-based): chr11:74,493,546, G>A on the plus strand (C>T on the coding strand, the complement: LIPT2 is on the minus strand). VCF-style: chr11-74493546-G-A. GRCh37 (hg19) VCF-style: chr11-74204591-G-A.
Other names: c.158C>T, p.Ala53Val (NM_001329941.2, NM_001329942.2); c.158C>T (NM_001144869.2); short protein forms A53V.
Identifiers: ClinVar variation 378086 (VCV000378086.12), dbSNP rs60455691, ClinGen allele CA6184931.
Genomic context (GRCh38, chr11:74,493,546, plus strand): 5'-AGCCGCGCAGTTTCCTCGGGCGTCAGGCCGCCGCGCAGCCCGGCCGTATACACGGGCCCC[G>A]CGGGCTCGCAGAGCAGGAGCGCGCCCGCCTCAGTCCCCGACGGGGCCTCAATGCCTGGCT-3'
Protein context (NP_001138341.1, residues 43-63): EAGALLLCEP[Ala53Val]GPVYTAGLRG

ClinVar aggregate classification (germline): Benign. Review status: criteria provided, multiple submitters, no conflicts (2 of 4 stars). 3 submissions from 3 submitters: Benign (2). 1 of the submissions does not count toward it. Last evaluated 2026-02-03.

Conditions:
LIPT2-related disorder. Also called: LIPT2-related condition.

Allele frequency attached by ClinVar (database versions not stated): gnomAD 0.15898 and 0.16099; TOPMed 0.16877; 1000 Genomes Project 30x 0.18004; 1000 Genomes Project 0.18051; gnomAD exomes 0.18897 and 0.27129; ExAC 0.29134.

Submissions (3):

Labcorp Genetics (formerly Invitae), Labcorp
Classification: Benign. Last evaluated: 2026-02-03. Review status: criteria provided, single submitter. Criteria: Invitae Variant Classification Sherloc (09022015). Collection method: clinical testing. Allele origin: germline.

Breakthrough Genomics
Classification: Benign. Review status: criteria provided, single submitter. Criteria: ACMG Guidelines, 2015. Collection method: not provided. Allele origin: germline. Inheritance: Autosomal recessive inheritance. Affected: yes.

PreventionGenetics, part of Exact Sciences
Classification: Benign for LIPT2-related condition. Last evaluated: 2019-03-26. Review status: no assertion criteria provided. Collection method: clinical testing. Allele origin: germline. Not counted in ClinVar's aggregate classification.
Comment: This variant is classified as benign based on ACMG/AMP sequence variant interpretation guidelines (Richards et al. 2015 PMID: 25741868, with internal and published modifications).